The following is an entry in ClinVar:

NM_001170629.2(CHD8):c.610A>G (p.Lys204Glu)

Gene: CHD8 (chromodomain helicase DNA binding protein 8; minus strand). Cytogenetic location: 14q11.2.
Variant type: single nucleotide variant.
Coding change: c.610A>G on transcript NM_001170629.2 (MANE Select); coding-DNA position 610, A replaced by G.
Protein change: p.Lys204Glu; replaces lysine 204 with glutamic acid.
Molecular consequence: missense variant. On other transcripts: intron variant (1).
Genome position (GRCh38, 1-based): chr14:21,431,034, T>C on the plus strand (A>G on the coding strand, the complement: CHD8 is on the minus strand). VCF-style: chr14-21431034-T-C. GRCh37 (hg19) VCF-style: chr14-21899193-T-C.
Other names: c.6+777A>G (NM_020920.4); short protein forms K204E.
Identifiers: ClinVar variation 3361165 (VCV003361165.1).
Genomic context (GRCh38, chr14:21,431,034, plus strand): 5'-ACACTGTATTACCAGAGACAATGGAAACACCTGGTCGAAGGGGTGTGCCGGTTAGCACTT[T>C]GGTAAAAGTGACTTTTCCACCATTGGCTGTGCCTGCCACCAGGGGCTGAGCTGTGCTGGT-3'
Protein context (NP_001164100.1, residues 194-214): TANGGKVTFT[Lys204Glu]VLTGTPLRPG

ClinVar aggregate classification (germline): Uncertain significance (1 of 4 stars; one submission).

Submission:

GeneDx
Classification: Uncertain significance. Last evaluated: 2023-07-24. Review status: criteria provided, single submitter. Criteria: GeneDx Variant Classification Process June 2021. Collection method: clinical testing. Allele origin: germline. Affected: yes.
Comment: Not observed at significant frequency in large population cohorts (gnomAD); In silico analysis supports that this missense variant does not alter protein structure/function; Has not been previously published as pathogenic or benign to our knowledge